The following is an entry in ClinVar:

ClinVar aggregate classification (germline): Uncertain significance (1 of 4 stars; one submission).

gnomAD v4.1: 1 of 1,614,144 alleles (0.000062%); highest among the groups gnomAD compares: Non-Finnish European, 0.000085%; no homozygotes.

Submission:

GeneDx
Classification: Uncertain significance. Last evaluated: 2022-04-12. Review status: criteria provided, single submitter. Criteria: GeneDx Variant Classification Process June 2021. Collection method: clinical testing. Allele origin: germline. Affected: yes.
Comment: Not observed at significant frequency in large population cohorts (gnomAD); In silico analysis supports that this missense variant does not alter protein structure/function; Has not been previously published as pathogenic or benign to our knowledge

NM_002546.4(TNFRSF11B):c.820A>G (p.Ile274Val)

Gene: TNFRSF11B (TNF receptor superfamily member 11b; minus strand). Cytogenetic location: 8q24.12.
Variant type: single nucleotide variant.
Coding change: c.820A>G on transcript NM_002546.4 (MANE Select); coding-DNA position 820, A replaced by G.
Protein change: p.Ile274Val; replaces isoleucine 274 with valine.
Molecular consequence: missense variant.
Genome position (GRCh38, 1-based): chr8:118,924,760, T>C on the plus strand (A>G on the coding strand, the complement: TNFRSF11B is on the minus strand). VCF-style: chr8-118924760-T-C. GRCh37 (hg19) VCF-style: chr8-119936999-T-C.
Other names: short protein forms I274V.
Identifiers: ClinVar variation 1722958 (VCV001722958.2), dbSNP rs2488046306, ClinGen allele CA371919075.